The following is an entry in ClinVar:

ClinVar aggregate classification (germline): Pathogenic. Review status: criteria provided, multiple submitters, no conflicts (2 of 4 stars). 2 submissions from 2 submitters: Pathogenic (2). Last evaluated 2026-03-03.

Conditions:
TELO2-related intellectual disability-neurodevelopmental disorder. Also called: You-Hoover-Fong syndrome. Identifiers: Orphanet 488642, MedGen C4310778, MONDO:0014848, OMIM 616954.

Submissions (2):

Women's Health and Genetics/Laboratory Corporation of America, LabCorp
Classification: Pathogenic for TELO2-related intellectual disability-neurodevelopmental disorder. Last evaluated: 2026-03-03. Review status: criteria provided, single submitter. Criteria: LabCorp Variant Classification Summary - May 2015. Collection method: clinical testing. Allele origin: germline.
Comment: Variant summary: TELO2 c.800_801delTG (p.Val267AlafsX12) results in a premature termination codon, predicted to cause a truncation of the encoded protein or absence of the protein due to nonsense mediated decay, which are commonly known mechanisms for disease. The variant allele was found at a frequency of 5.4e-06 in 185782 control chromosomes. To our knowledge, no occurrence of c.800_801delTG in individuals affected with TELO2-related conditions and no experimental evidence demonstrating its impact on protein function have been reported. No submitters have cited clinical-significance assessments for this variant to ClinVar. Based on the evidence outlined above, the variant was classified as pathogenic.

Undiagnosed Diseases Network, NIH
Classification: Pathogenic for TELO2-related intellectual disability-neurodevelopmental disorder. Last evaluated: 2019-10-15. Review status: criteria provided, single submitter. Criteria: ACMG Guidelines, 2015. Collection method: clinical testing. Allele origin: paternal. Affected: yes. Observed: 1 variant allele, 1 heterozygote. Study: Undiagnosed Diseases Network (NIH), UDN.
Comment: Second variant has not been identified.

NM_016111.4(TELO2):c.800_801del (p.Val267fs)

Gene: TELO2 (telomere maintenance 2; plus strand). Cytogenetic location: 16p13.3.
Variant type: Microsatellite.
Coding change: c.800_801del on transcript NM_016111.4 (MANE Select); coding-DNA positions 800 to 801, 2 bases deleted (TG; older notation c.800_801delTG).
Protein change: p.Val267fs; shifts the reading frame from valine 267.
Molecular consequence: frameshift variant.
Genome position (GRCh38, 1-based): chr16:1,497,478-1,497,479, TG deleted; deleting any 2 consecutive bases within chr16:1,497,476-1,497,479 gives the same sequence; the c. name uses the placement nearest the transcript's 3' end. VCF-style (leftmost placement, unchanged base first): chr16-1497475-CTG-C. GRCh37 (hg19) VCF-style: chr16-1547476-CTG-C.
Other names: p.Val267fs; c.800_801del, p.Val267fs (NM_001351846.2); c.800_801delTG (NM_016111.4); short protein forms V267fs.
Identifiers: ClinVar variation 4532811 (VCV004532811.2).